The following is an entry in ClinVar:

ClinVar aggregate classification (germline): Pathogenic. Review status: criteria provided, single submitter (1 of 4 stars). 2 submissions from 2 submitters: Pathogenic (1). 1 of the submissions does not count toward it. Last evaluated 2023-07-02.

Conditions:
HDAC8-related disorder. Also called: HDAC8-related condition.
Cornelia de Lange syndrome 5 (CDLS5). Also called: HDAC8-Related Cornelia de Lange Syndrome. Identifiers: Orphanet 199, MedGen C3550903, MONDO:0010471, OMIM 300882.

Submissions (2):

PreventionGenetics, part of Exact Sciences
Classification: Pathogenic for HDAC8-related condition. Last evaluated: 2023-07-02. Review status: criteria provided, single submitter. Criteria: ACMG Guidelines, 2015. Collection method: clinical testing. Allele origin: germline.
Comment: The HDAC8 c.164+5G>A variant is predicted to interfere with splicing. This variant was reported in the hemizygous state in seven males from a single family with X-linked intellectual disability, truncal obesity, gynecomastia, hypogonadism and craniofacial deformities. Carrier females were more mildly affected and exhibited skewed X-inactivation. RNA studies in patient lymphocytes showed this variant resulted in skipping of exon 2 and premature termination (Harakalova. 2012. PubMed ID: 22889856). This variant has not been reported in a large population database, indicating this variant is rare. Variants that disrupt the consensus splice donor site in HDAC8 are expected to be pathogenic. This variant is interpreted as pathogenic.

OMIM
Classification: Pathogenic for CORNELIA DE LANGE SYNDROME 5. Last evaluated: 2012-08-01. Review status: no assertion criteria provided. Collection method: literature only. Allele origin: germline. Not counted in ClinVar's aggregate classification.

Literature cited by the submitters: PubMed 22889856 (cited by OMIM).

NM_018486.3(HDAC8):c.164+5G>A

Gene: HDAC8 (histone deacetylase 8; minus strand). Cytogenetic location: Xq13.1.
Variant type: single nucleotide variant.
Coding change: c.164+5G>A on transcript NM_018486.3 (MANE Select); 5 bases into the intron after coding-DNA position 164, G replaced by A.
Molecular consequence: intron variant.
Genome position (GRCh38, 1-based): chrX:72,572,052, C>T on the plus strand (G>A on the coding strand, the complement: HDAC8 is on the minus strand). VCF-style: chrX-72572052-C-T. GRCh37 (hg19) VCF-style: chrX-71791902-C-T.
Other names: IVS1DS, G-A, +5; c.164+5G>A (NM_001166418.2, NM_001166448.2, NM_001166419.2 and 2 more transcripts).
Identifiers: ClinVar variation 37252 (VCV000037252.2), dbSNP rs398122888, ClinGen allele CA130131.